The following is an entry in ClinVar:

ClinVar aggregate classification (germline): Uncertain significance (0 of 4 stars; one submission).

Conditions:
FGD1-related disorder. Also called: FGD1-related condition; FGD1-related disorders.

Submission:

PreventionGenetics, part of Exact Sciences
Classification: Uncertain significance for FGD1-related condition. Last evaluated: 2024-04-18. Review status: no assertion criteria provided. Collection method: clinical testing. Allele origin: germline.
Comment: The FGD1 c.250C>G variant is predicted to result in the amino acid substitution p.Gln84Glu. To our knowledge, this variant has not been reported in the literature or in a large population database, indicating this variant is rare. At this time, the clinical significance of this variant is uncertain due to the absence of conclusive functional and genetic evidence.

NM_004463.3(FGD1):c.250C>G (p.Gln84Glu)

Gene: FGD1 (FYVE, RhoGEF and PH domain containing 1; minus strand). Cytogenetic location: Xp11.22.
Variant type: single nucleotide variant.
Coding change: c.250C>G on transcript NM_004463.3 (MANE Select); coding-DNA position 250, C replaced by G.
Protein change: p.Gln84Glu; replaces glutamine 84 with glutamic acid.
Molecular consequence: missense variant.
Genome position (GRCh38, 1-based): chrX:54,495,183, G>C on the plus strand (C>G on the coding strand, the complement: FGD1 is on the minus strand). VCF-style: chrX-54495183-G-C. GRCh37 (hg19) VCF-style: chrX-54521616-G-C.
Other names: short protein forms Q84E.
Identifiers: ClinVar variation 2629846 (VCV002629846.2), dbSNP rs2522741422, ClinGen allele CA413254507.